The following is an entry in ClinVar:

NM_052947.4(ALPK2):c.4961C>T (p.Ala1654Val)

Gene: ALPK2 (alpha kinase 2; minus strand). Cytogenetic location: 18q21.31.
Variant type: single nucleotide variant.
Coding change: c.4961C>T on transcript NM_052947.4 (MANE Select); coding-DNA position 4961, C replaced by T.
Protein change: p.Ala1654Val; replaces alanine 1654 with valine.
Molecular consequence: missense variant.
Genome position (GRCh38, 1-based): chr18:58,535,226, G>A on the plus strand (C>T on the coding strand, the complement: ALPK2 is on the minus strand). VCF-style: chr18-58535226-G-A. GRCh37 (hg19) VCF-style: chr18-56202458-G-A.
Other names: short protein forms A1654V.
Identifiers: ClinVar variation 1744421 (VCV001744421.2), dbSNP rs2518873733, ClinGen allele CA402559163.
Genomic context (GRCh38, chr18:58,535,226, plus strand): 5'-TGACATGGATCCTGCAGTAATTTAGGGGCTTTCTCTAACTCACGTTCTCCTGAAATAAAT[G>A]CCAAGGTCTTCGCTGAGGAGCTAGATGAGCTTGGGGGTTTGGTTTCCCCAATTTGAAGCA-3'
Protein context (NP_443179.3, residues 1644-1664): SSSSSSAKTL[Ala1654Val]FISGERELEK

ClinVar aggregate classification (germline): Uncertain significance (1 of 4 stars; one submission).

Submission:

Ambry Genetics
Classification: Uncertain significance. Last evaluated: 2022-03-16. Review status: criteria provided, single submitter. Criteria: Ambry Variant Classification Scheme 2023. Collection method: clinical testing. Allele origin: germline.
Comment: The p.A1654V variant (also known as c.4961C>T), located in coding exon 4 of the ALPK2 gene, results from a C to T substitution at nucleotide position 4961. The alanine at codon 1654 is replaced by valine, an amino acid with similar properties. This amino acid position is conserved. In addition, this alteration is predicted to be tolerated by in silico analysis. Since supporting evidence is limited at this time, the clinical significance of this alteration remains unclear.